The following is an entry in ClinVar:

ClinVar aggregate classification (germline): Uncertain significance (1 of 4 stars; one submission).

Conditions:
Cardiovascular phenotype. Identifiers: MedGen CN230736.

gnomAD v4.1: 1 of 1,603,642 alleles (0.000062%); highest among the groups gnomAD compares: Non-Finnish European, 0.000085%; no homozygotes.

Submission:

Ambry Genetics
Classification: Uncertain significance for Cardiovascular phenotype. Last evaluated: 2026-03-11. Review status: criteria provided, single submitter. Criteria: Ambry Variant Classification Scheme 2023. Collection method: clinical testing. Allele origin: germline.
Comment: The p.K834E variant (also known as c.2500A>G), located in coding exon 4 of the TNXB gene, results from an A to G substitution at nucleotide position 2500. The lysine at codon 834 is replaced by glutamic acid, an amino acid with similar properties. This amino acid position is conserved. In addition, this alteration is predicted to be tolerated by in silico analysis. Based on the available evidence, the clinical significance of this variant remains unclear.

NM_001365276.2(TNXB):c.2500A>G (p.Lys834Glu)

Gene: TNXB (tenascin XB; minus strand). Cytogenetic location: 6p21.33.
Variant type: single nucleotide variant.
Coding change: c.2500A>G on transcript NM_001365276.2 (MANE Select); coding-DNA position 2500, A replaced by G.
Protein change: p.Lys834Glu; replaces lysine 834 with glutamic acid.
Molecular consequence: missense variant.
Genome position (GRCh38, 1-based): chr6:32,089,238, T>C on the plus strand (A>G on the coding strand, the complement: TNXB is on the minus strand). VCF-style: chr6-32089238-T-C. GRCh37 (hg19) VCF-style: chr6-32057015-T-C.
Other names: c.2500A>G, p.Lys834Glu (NM_001428335.1, NM_019105.8); short protein forms K834E.
Identifiers: ClinVar variation 4826812 (VCV004826812.1).